The following is an entry in ClinVar:

ClinVar aggregate classification (germline): Uncertain significance (1 of 4 stars; one submission).

Conditions:
Inborn genetic diseases. Identifiers: MedGen C0950123, MeSH D030342.

Submission:

Ambry Genetics
Classification: Uncertain significance for Inborn genetic diseases. Last evaluated: 2026-06-15. Review status: criteria provided, single submitter. Criteria: Ambry Variant Classification Scheme 2023. Collection method: clinical testing. Allele origin: germline.
Comment: The p.V325L variant (also known as c.973G>T), located in coding exon 8 of the FANCG gene, results from a G to T substitution at nucleotide position 973. The valine at codon 325 is replaced by leucine, an amino acid with highly similar properties. This amino acid position is conserved. In addition, this alteration is predicted to be tolerated by in silico analysis. Based on the available evidence, the clinical significance of this variant remains unclear.

NM_004629.2(FANCG):c.973G>T (p.Val325Leu)

Gene: FANCG (FA complementation group G; minus strand). Cytogenetic location: 9p13.3.
Variant type: single nucleotide variant.
Coding change: c.973G>T on transcript NM_004629.2 (MANE Select); coding-DNA position 973, G replaced by T.
Protein change: p.Val325Leu; replaces valine 325 with leucine.
Molecular consequence: missense variant.
Genome position (GRCh38, 1-based): chr9:35,076,535, C>A on the plus strand (G>T on the coding strand, the complement: FANCG is on the minus strand). VCF-style: chr9-35076535-C-A. GRCh37 (hg19) VCF-style: chr9-35076532-C-A.
Other names: short protein forms V325L.
Identifiers: ClinVar variation 5036487 (VCV005036487.1).